The following is an entry in ClinVar:

ClinVar aggregate classification (germline): Uncertain significance. Review status: criteria provided, multiple submitters, no conflicts (2 of 4 stars). 2 submissions from 2 submitters: Uncertain significance (2). Last evaluated 2025-06-23.

Conditions:
Inborn genetic diseases. Identifiers: MedGen C0950123, MeSH D030342.

Allele frequency attached by ClinVar (database versions not stated): gnomAD exomes below 0.00001; TOPMed 0.00001.
gnomAD v4.1: 4 of 1,606,208 alleles (0.00025%); highest among the groups gnomAD compares: East Asian, 0.009%; no homozygotes.

Submissions (2):

Labcorp Genetics (formerly Invitae), Labcorp
Classification: Uncertain significance. Last evaluated: 2025-06-23. Review status: criteria provided, single submitter. Criteria: Invitae Variant Classification Sherloc (09022015). Collection method: clinical testing. Allele origin: germline.
Comment: This sequence change replaces proline, which is neutral and non-polar, with serine, which is neutral and polar, at codon 901 of the PTPN23 protein (p.Pro901Ser). This variant is present in population databases (no rsID available, gnomAD 0.01%). This variant has not been reported in the literature in individuals affected with PTPN23-related conditions. ClinVar contains an entry for this variant (Variation ID: 2617303). Experimental studies and prediction algorithms are not available or were not evaluated, and the functional significance of this variant is currently unknown. In summary, the available evidence is currently insufficient to determine the role of this variant in disease. Therefore, it has been classified as a Variant of Uncertain Significance.

Ambry Genetics
Classification: Uncertain significance for Inborn genetic diseases. Last evaluated: 2023-08-08. Review status: criteria provided, single submitter. Criteria: Ambry Variant Classification Scheme 2023. Collection method: clinical testing. Allele origin: germline.

NM_015466.4(PTPN23):c.2701C>T (p.Pro901Ser)

Gene: PTPN23 (protein tyrosine phosphatase non-receptor type 23; plus strand). Cytogenetic location: 3p21.31.
Variant type: single nucleotide variant.
Coding change: c.2701C>T on transcript NM_015466.4 (MANE Select); coding-DNA position 2701, C replaced by T.
Protein change: p.Pro901Ser; replaces proline 901 with serine.
Molecular consequence: missense variant.
Genome position (GRCh38, 1-based): chr3:47,410,499, C>T. VCF-style: chr3-47410499-C-T. GRCh37 (hg19) VCF-style: chr3-47451989-C-T.
Other names: c.2323C>T, p.Pro775Ser (NM_001304482.2); short protein forms P775S, P901S.
Identifiers: ClinVar variation 2617303 (VCV002617303.3), dbSNP rs750754516, ClinGen allele CA352559703.
Genomic context (GRCh38, chr3:47,410,499, plus strand): 5'-ACCACCACAGTAGATAGCATCCAGGCGCCCATCCCCAGCCACACAGCCCCACGGCCAAAC[C>T]CCACCCCTGCTCCTCCCCCGCCCTGCTTCCCTGTGCCCCCACCGCAGCCACTGCCCACGC-3'
Protein context (NP_056281.1, residues 891-911): IPSHTAPRPN[Pro901Ser]TPAPPPPCFP